The following is an entry in ClinVar:

ClinVar aggregate classification (germline): Uncertain significance. Review status: criteria provided, multiple submitters, no conflicts (2 of 4 stars). 2 submissions from 2 submitters: Uncertain significance (2). Last evaluated 2026-02-01.

Conditions:
Inborn genetic diseases. Identifiers: MedGen C0950123, MeSH D030342.

Allele frequency attached by ClinVar (database versions not stated): gnomAD exomes 0.00002 and 0.00005; ExAC 0.00007; gnomAD 0.00007; TOPMed 0.00009; ESP Exome Variant Server 0.00016.
gnomAD v4.1: 42 of 1,611,114 alleles (0.0026%); highest among the groups gnomAD compares: East Asian, 0.018%; no homozygotes.

Submissions (2):

Labcorp Genetics (formerly Invitae), Labcorp
Classification: Uncertain significance. Last evaluated: 2026-02-01. Review status: criteria provided, single submitter. Criteria: Invitae Variant Classification Sherloc (09022015). Collection method: clinical testing. Allele origin: germline.
Comment: This sequence change replaces valine, which is neutral and non-polar, with isoleucine, which is neutral and non-polar, at codon 3472 of the PCLO protein (p.Val3472Ile). This variant is present in population databases (rs368126805, gnomAD 0.03%). This variant has not been reported in the literature in individuals affected with PCLO-related conditions. ClinVar contains an entry for this variant (Variation ID: 1355451). Experimental studies and prediction algorithms are not available or were not evaluated, and the functional significance of this variant is currently unknown. In summary, the available evidence is currently insufficient to determine the role of this variant in disease. Therefore, it has been classified as a Variant of Uncertain Significance.

Ambry Genetics
Classification: Uncertain significance for Inborn genetic diseases. Last evaluated: 2025-11-06. Review status: criteria provided, single submitter. Criteria: Ambry Variant Classification Scheme 2023. Collection method: clinical testing. Allele origin: germline.

NM_033026.6(PCLO):c.10414G>A (p.Val3472Ile)

Gene: PCLO (piccolo presynaptic cytomatrix protein; minus strand). Cytogenetic location: 7q21.11.
Variant type: single nucleotide variant.
Coding change: c.10414G>A on transcript NM_033026.6 (MANE Select); coding-DNA position 10414, G replaced by A.
Protein change: p.Val3472Ile; replaces valine 3472 with isoleucine.
Molecular consequence: missense variant.
Genome position (GRCh38, 1-based): chr7:82,950,174, C>T on the plus strand (G>A on the coding strand, the complement: PCLO is on the minus strand). VCF-style: chr7-82950174-C-T. GRCh37 (hg19) VCF-style: chr7-82579490-C-T.
Other names: c.10414G>A, p.Val3472Ile (NM_014510.3); c.10414G>A (NM_033026.5); short protein forms V3472I.
Identifiers: ClinVar variation 1355451 (VCV001355451.6), dbSNP rs368126805, ClinGen allele CA4319736.